The following is an entry in ClinVar:

NM_006206.6(PDGFRA):c.425A>G (p.Asp142Gly)

Gene: PDGFRA (platelet derived growth factor receptor alpha; plus strand). Cytogenetic location: 4q12.
Variant type: single nucleotide variant.
Coding change: c.425A>G on transcript NM_006206.6 (MANE Select); coding-DNA position 425, A replaced by G.
Protein change: p.Asp142Gly; replaces aspartic acid 142 with glycine.
Molecular consequence: missense variant.
Genome position (GRCh38, 1-based): chr4:54,263,724, A>G. VCF-style: chr4-54263724-A-G. GRCh37 (hg19) VCF-style: chr4-55129891-A-G.
Other names: c.425A>G, p.Asp142Gly (NM_001347827.2, NM_001347829.2); c.500A>G, p.Asp167Gly (NM_001347828.2); c.464A>G, p.Asp155Gly (NM_001347830.2); short protein forms D167G, D142G, D155G.
Identifiers: ClinVar variation 1515371 (VCV001515371.8), dbSNP rs1337241636, ClinGen allele CA356889789.

ClinVar aggregate classification (germline): Uncertain significance (1 of 4 stars; one submission).

Conditions:
Gastrointestinal stromal tumor. Also called: Gastrointestinal stromal tumor, somatic; Gastrointestinal stroma tumor. Identifiers: Orphanet 44890, MedGen C0238198, MeSH D046152, MONDO:0011719, OMIM 606764, HP:0100723.

gnomAD v4.1: 1 of 1,613,878 alleles (0.000062%); highest among the groups gnomAD compares: Non-Finnish European, 0.000085%; no homozygotes.

Submission:

Labcorp Genetics (formerly Invitae), Labcorp
Classification: Uncertain significance for Gastrointestinal stromal tumor. Last evaluated: 2024-05-21. Review status: criteria provided, single submitter. Criteria: Invitae Variant Classification Sherloc (09022015). Collection method: clinical testing. Allele origin: germline.
Comment: This sequence change replaces aspartic acid, which is acidic and polar, with glycine, which is neutral and non-polar, at codon 142 of the PDGFRA protein (p.Asp142Gly). This variant is present in population databases (no rsID available, gnomAD 0.0009%). This variant has not been reported in the literature in individuals affected with PDGFRA-related conditions. ClinVar contains an entry for this variant (Variation ID: 1515371). Advanced modeling of protein sequence and biophysical properties (such as structural, functional, and spatial information, amino acid conservation, physicochemical variation, residue mobility, and thermodynamic stability) performed at Invitae indicates that this missense variant is not expected to disrupt PDGFRA protein function with a negative predictive value of 80%. In summary, the available evidence is currently insufficient to determine the role of this variant in disease. Therefore, it has been classified as a Variant of Uncertain Significance.